The following is an entry in ClinVar:

NM_002880.4(RAF1):c.553G>T (p.Val185Leu)

Gene: RAF1 (Raf-1 proto-oncogene, serine/threonine kinase; minus strand). Cytogenetic location: 3p25.2.
Variant type: single nucleotide variant.
Coding change: c.553G>T on transcript NM_002880.4 (MANE Select); coding-DNA position 553, G replaced by T.
Protein change: p.Val185Leu; replaces valine 185 with leucine.
Molecular consequence: missense variant. On other transcripts: non-coding transcript variant (3).
Genome position (GRCh38, 1-based): chr3:12,608,794, C>A on the plus strand (G>T on the coding strand, the complement: RAF1 is on the minus strand). VCF-style: chr3-12608794-C-A. GRCh37 (hg19) VCF-style: chr3-12650293-C-A.
Other names: c.310G>T, p.Val104Leu (NM_001354691.3, NM_001354692.3, NM_001354694.3 and 1 more transcripts); c.553G>T, p.Val185Leu (NM_001354693.3, NM_001354689.3, NM_001354690.3); short protein forms V185L, V104L.
Identifiers: ClinVar variation 2733044 (VCV002733044.3), dbSNP rs2470377468, ClinGen allele CA351516505.

ClinVar aggregate classification (germline): Uncertain significance (1 of 4 stars; one submission).

Conditions:
RASopathy. Also called: rasopathies; Noonan spectrum disorder. Identifiers: Orphanet 536391, MedGen C5555857, MONDO:0021060.

gnomAD v4.1: 1 of 1,614,182 alleles (0.000062%); highest among the groups gnomAD compares: South Asian, 0.0011%; no homozygotes.

Submission:

Labcorp Genetics (formerly Invitae), Labcorp
Classification: Uncertain significance for RASopathy. Last evaluated: 2023-06-29. Review status: criteria provided, single submitter. Criteria: Invitae Variant Classification Sherloc (09022015). Collection method: clinical testing. Allele origin: germline.
Comment: In summary, the available evidence is currently insufficient to determine the role of this variant in disease. Therefore, it has been classified as a Variant of Uncertain Significance. Advanced modeling of protein sequence and biophysical properties (such as structural, functional, and spatial information, amino acid conservation, physicochemical variation, residue mobility, and thermodynamic stability) performed at Invitae indicates that this missense variant is expected to disrupt RAF1 protein function. This variant has not been reported in the literature in individuals affected with RAF1-related conditions. This variant is not present in population databases (gnomAD no frequency). This sequence change replaces valine, which is neutral and non-polar, with leucine, which is neutral and non-polar, at codon 185 of the RAF1 protein (p.Val185Leu).